The following is an entry in ClinVar:

NM_014244.5(ADAMTS2):c.51_52insTATAAGAGACAGT (p.Leu18fs)

Gene: ADAMTS2 (ADAM metallopeptidase with thrombospondin type 1 motif 2; minus strand). Cytogenetic location: 5q35.3.
Variant type: Insertion.
Coding change: c.51_52insTATAAGAGACAGT on transcript NM_014244.5 (MANE Select); coding-DNA positions 51 to 52, TATAAGAGACAGT inserted.
Protein change: p.Leu18fs; shifts the reading frame from leucine 18.
Molecular consequence: frameshift variant.
Genome position: GRCh38 VCF-style: chr5-179345277-G-GACTGTCTCTTATA. GRCh37 (hg19) VCF-style: chr5-178772278-G-GACTGTCTCTTATA.
Other names: c.51_52insTATAAGAGACAGT, p.Leu18fs (NM_021599.4); short protein forms L18fs.
Identifiers: ClinVar variation 5011185 (VCV005011185.1).

ClinVar aggregate classification (germline): Pathogenic (1 of 4 stars; one submission).

Conditions:
Ehlers-Danlos syndrome, dermatosparaxis type. Also called: EDS VIIC; Dermatosparaxis; Ehlers-Danlos syndrome, type VII, autosomal recessive. Identifiers: Orphanet 1901, MedGen C2700425, MONDO:0009161, OMIM 225410.

Submission:

Myriad Genetics, Inc.
Classification: Pathogenic for Ehlers-Danlos syndrome, dermatosparaxis type. Last evaluated: 2024-05-14. Review status: criteria provided, single submitter. Criteria: Myriad Autosomal Dominant, Autosomal Recessive and X-Linked Classification Criteria (2023). Collection method: clinical testing. Allele origin: unknown.
Comment: NM_014244.4(ADAMTS2):c.51_52ins13(L18Yfs*52) is expected to be pathogenic in the context of Ehlers-Danlos syndrome, ADAMTS2-related. This variant is predicted to lead to an abnormal or absent protein product due to the creation of a premature termination codon in ADAMTS2, a gene where loss-of-function variants are known to be pathogenic. Please note: this variant was assessed in the context of healthy population screening.